The following is an entry in ClinVar:

ClinVar aggregate classification (germline): Likely benign. Review status: criteria provided, multiple submitters, no conflicts (2 of 4 stars). 6 submissions from 6 submitters: Likely benign (4). 2 of the submissions do not count toward it. Last evaluated 2026-01-19.

Conditions:
Cardiovascular phenotype. Identifiers: MedGen CN230736.
Dilated cardiomyopathy 1KK (CMD1KK). Identifiers: Orphanet 154, Orphanet 75249, MedGen C3714995, MONDO:0014100, OMIM 615248.
MYPN-related disorder. Also called: MYPN-related condition.

Allele frequency attached by ClinVar (database versions not stated): gnomAD exomes 0.00001 and 0.00002; ExAC 0.00002; gnomAD 0.00003 and 0.00004; TOPMed 0.00005; 1000 Genomes Project 30x 0.00031.
gnomAD v4.1: 42 of 1,614,150 alleles (0.0026%); highest among the groups gnomAD compares: South Asian, 0.0033%; no homozygotes.

Submissions (6):

Labcorp Genetics (formerly Invitae), Labcorp
Classification: Likely benign for Dilated cardiomyopathy 1KK. Last evaluated: 2026-01-19. Review status: criteria provided, single submitter. Criteria: Invitae Variant Classification Sherloc (09022015). Collection method: clinical testing. Allele origin: germline.

PreventionGenetics, part of Exact Sciences
Classification: Likely benign for MYPN-related condition. Last evaluated: 2025-09-22. Review status: criteria provided, single submitter. Criteria: ACMG Guidelines, 2015. Collection method: clinical testing. Allele origin: germline.
Comment: This variant is classified as likely benign based on ACMG/AMP sequence variant interpretation guidelines (Richards et al. 2015 PMID: 25741868, with internal and published modifications).

Blueprint Genetics
Classification: Likely benign. Last evaluated: 2022-11-28. Review status: criteria provided, single submitter. Criteria: ACMG Guidelines, 2015. Collection method: clinical testing. Allele origin: germline.

Ambry Genetics
Classification: Likely benign for Cardiovascular phenotype. Last evaluated: 2019-01-18. Review status: criteria provided, single submitter. Criteria: Ambry Variant Classification Scheme 2023. Collection method: clinical testing. Allele origin: germline.

Clinical Genetics, Academic Medical Center
Classification: Benign. Review status: no assertion criteria provided. Collection method: clinical testing. Allele origin: germline. Affected: yes. Study: VKGL Data-share Consensus. Not counted in ClinVar's aggregate classification.

Joint Genome Diagnostic Labs from Nijmegen and Maastricht, Radboudumc and MUMC+
Classification: Likely benign. Review status: no assertion criteria provided. Collection method: clinical testing. Allele origin: germline. Affected: yes. Study: VKGL Data-share Consensus. Not counted in ClinVar's aggregate classification.

NM_032578.4(MYPN):c.3420C>T (p.Asp1140=)

Gene: MYPN (myopalladin; plus strand). Cytogenetic location: 10q21.3.
Variant type: single nucleotide variant.
Coding change: c.3420C>T on transcript NM_032578.4 (MANE Select); coding-DNA position 3420, C replaced by T.
Protein change: p.Asp1140=; no amino-acid change (aspartic acid 1140 retained).
Molecular consequence: synonymous variant. On other transcripts: non-coding transcript variant (2).
Genome position (GRCh38, 1-based): chr10:68,199,502, C>T. VCF-style: chr10-68199502-C-T. GRCh37 (hg19) VCF-style: chr10-69959259-C-T.
Other names: c.3420C>T, p.Asp1140= (NM_001256267.2); c.2538C>T, p.Asp846= (NM_001256268.2).
Identifiers: ClinVar variation 544046 (VCV000544046.30), dbSNP rs200786762, ClinGen allele CA5523038.